The following is an entry in ClinVar:

NM_004984.4(KIF5A):c.93C>G (p.Ile31Met)

Gene: KIF5A (kinesin family member 5A; plus strand). Cytogenetic location: 12q13.3.
Variant type: single nucleotide variant.
Coding change: c.93C>G on transcript NM_004984.4 (MANE Select); coding-DNA position 93, C replaced by G.
Protein change: p.Ile31Met; replaces isoleucine 31 with methionine.
Molecular consequence: missense variant.
Genome position (GRCh38, 1-based): chr12:57,550,364, C>G. VCF-style: chr12-57550364-C-G. GRCh37 (hg19) VCF-style: chr12-57944147-C-G.
Other names: c.93C>G, p.Ile31Met (NM_001354705.2); short protein forms I31M.
Identifiers: ClinVar variation 4768097 (VCV004768097.1).

ClinVar aggregate classification (germline): Uncertain significance (1 of 4 stars; one submission).

Conditions:
Spastic paraplegia. Identifiers: MedGen C0037772, HP:0001258.

gnomAD v4.1: 2 of 1,614,174 alleles (0.00012%); highest among the groups gnomAD compares: Non-Finnish European, 0.00017%; no homozygotes.

Submission:

Labcorp Genetics (formerly Invitae), Labcorp
Classification: Uncertain significance for Spastic paraplegia. Last evaluated: 2025-07-14. Review status: criteria provided, single submitter. Criteria: Invitae Variant Classification Sherloc (09022015). Collection method: clinical testing. Allele origin: germline.
Comment: This sequence change replaces isoleucine, which is neutral and non-polar, with methionine, which is neutral and non-polar, at codon 31 of the KIF5A protein (p.Ile31Met). This variant is not present in population databases (gnomAD no frequency). This missense change has been observed in individual(s) with clinical features of Charcot-Marie-Tooth disease (internal data). Invitae Evidence Modeling of protein sequence and biophysical properties (such as structural, functional, and spatial information, amino acid conservation, physicochemical variation, residue mobility, and thermodynamic stability) indicates that this missense variant is not expected to disrupt KIF5A protein function with a negative predictive value of 95%. In summary, the available evidence is currently insufficient to determine the role of this variant in disease. Therefore, it has been classified as a Variant of Uncertain Significance.